The following is an entry in ClinVar:

NM_000199.5(SGSH):c.563C>T (p.Pro188Leu)

Gene: SGSH (N-sulfoglucosamine sulfohydrolase; minus strand). Cytogenetic location: 17q25.3.
Variant type: single nucleotide variant.
Coding change: c.563C>T on transcript NM_000199.5 (MANE Select); coding-DNA position 563, C replaced by T.
Protein change: p.Pro188Leu; replaces proline 188 with leucine.
Molecular consequence: missense variant. On other transcripts: non-coding transcript variant (1).
Genome position (GRCh38, 1-based): chr17:80,214,272, G>A on the plus strand (C>T on the coding strand, the complement: SGSH is on the minus strand). VCF-style: chr17-80214272-G-A. GRCh37 (hg19) VCF-style: chr17-78188071-G-A.
Other names: c.563C>T, p.Pro188Leu (NM_001352921.3, NM_001352922.2); short protein forms P188L.
Identifiers: ClinVar variation 2154994 (VCV002154994.1), dbSNP rs745651937, ClinGen allele CA8817945.

ClinVar aggregate classification (germline): Uncertain significance (1 of 4 stars; one submission).

Conditions:
Mucopolysaccharidosis, MPS-III-A (MPS3A). Also called: HEPARAN SULFATE SULFATASE DEFICIENCY; SANFILIPPO SYNDROME A; SULFAMIDASE DEFICIENCY; MPS III A; Mucopolysaccharidosis, type IIIA; MUCOPOLYSACCHARIDOSIS, TYPE IIIA, ATTENUATED. Identifiers: Orphanet 581, Orphanet 79269, MedGen C0086647, MONDO:0009655, OMIM 252900.

Allele frequency attached by ClinVar (database versions not stated): TOPMed below 0.00001; ExAC 0.00001.

Submission:

Labcorp Genetics (formerly Invitae), Labcorp
Classification: Uncertain significance for Mucopolysaccharidosis, MPS-III-A. Last evaluated: 2022-07-03. Review status: criteria provided, single submitter. Criteria: Invitae Variant Classification Sherloc (09022015). Collection method: clinical testing. Allele origin: germline.
Comment: This sequence change replaces proline, which is neutral and non-polar, with leucine, which is neutral and non-polar, at codon 188 of the SGSH protein (p.Pro188Leu). This variant is present in population databases (rs745651937, gnomAD 0.0009%). This variant has not been reported in the literature in individuals affected with SGSH-related conditions. Algorithms developed to predict the effect of missense changes on protein structure and function are either unavailable or do not agree on the potential impact of this missense change (SIFT: "Deleterious"; PolyPhen-2: "Possibly Damaging"; Align-GVGD: "Class C0"). In summary, the available evidence is currently insufficient to determine the role of this variant in disease. Therefore, it has been classified as a Variant of Uncertain Significance.